The following is an entry in ClinVar:

NM_002354.3(EPCAM):c.260C>G (p.Ala87Gly)

Gene: EPCAM (epithelial cell adhesion molecule; plus strand). Cytogenetic location: 2p21.
Variant type: single nucleotide variant.
Coding change: c.260C>G on transcript NM_002354.3 (MANE Select); coding-DNA position 260, C replaced by G.
Protein change: p.Ala87Gly; replaces alanine 87 with glycine.
Molecular consequence: missense variant.
Genome position (GRCh38, 1-based): chr2:47,373,883, C>G. VCF-style: chr2-47373883-C-G. GRCh37 (hg19) VCF-style: chr2-47601022-C-G.
Other names: short protein forms A87G.
Identifiers: ClinVar variation 4249664 (VCV004249664.1).

ClinVar aggregate classification (germline): Uncertain significance (1 of 4 stars; one submission).

Conditions:
Hereditary cancer-predisposing syndrome. Also called: Hereditary Cancer Syndrome; Hereditary neoplastic syndrome; Neoplastic Syndromes, Hereditary; Tumor predisposition. Identifiers: Orphanet 140162, MedGen C0027672, MeSH D009386, MONDO:0015356.

Submission:

Ambry Genetics
Classification: Uncertain significance for Hereditary cancer-predisposing syndrome. Last evaluated: 2025-06-21. Review status: criteria provided, single submitter. Criteria: Ambry Variant Classification Scheme 2023. Collection method: clinical testing. Allele origin: germline.
Comment: The p.A87G variant (also known as c.260C>G), located in coding exon 3 of the EPCAM gene, results from a C to G substitution at nucleotide position 260. The alanine at codon 87 is replaced by glycine, an amino acid with similar properties. This amino acid position is conserved. In addition, this alteration is predicted to be tolerated by in silico analysis. Based on the available evidence, the clinical significance of this variant remains unclear.